The following is an entry in ClinVar:

ClinVar aggregate classification (germline): Likely benign (1 of 4 stars; one submission).

Conditions:
Breast-ovarian cancer, familial, susceptibility to, 2 (BROVCA2). Also called: BRCA2 Hereditary Breast and Ovarian Cancer. Identifiers: Orphanet 145, MedGen C2675520, MONDO:0012933, OMIM 612555. Disease mechanism: loss of function.

Submission:

All of Us Research Program, National Institutes of Health
Classification: Likely benign for Breast-ovarian cancer, familial, susceptibility to, 2. Last evaluated: 2023-07-22. Review status: criteria provided, single submitter. Criteria: ACMG Guidelines, 2015. Collection method: clinical testing. Allele origin: germline. Inheritance: Autosomal dominant inheritance. Observed: 1 variant allele, 1 heterozygote.
Comment: This study involves interpretation of variants in research participants for the purpose of population health screening. Participant phenotype was not available at the time of variant classification. Additional details can be found in publication PMID: 35346344, PMCID: PMC8962531

NM_000059.4(BRCA2):c.4203T>G (p.Gly1401=)

Gene: BRCA2 (BRCA2 DNA repair associated; plus strand). Cytogenetic location: 13q13.1.
Variant type: single nucleotide variant.
Coding change: c.4203T>G on transcript NM_000059.4 (MANE Select); coding-DNA position 4203, T replaced by G.
Protein change: p.Gly1401=; no amino-acid change (glycine 1401 retained).
Molecular consequence: synonymous variant. On other transcripts: non-coding transcript variant (1), intron variant (2).
Genome position (GRCh38, 1-based): chr13:32,338,558, T>G. VCF-style: chr13-32338558-T-G. GRCh37 (hg19) VCF-style: chr13-32912695-T-G.
Other names: c.4203T>G, p.Gly1401= (NM_001406719.1, NM_001406720.1); c.1909+5171T>G (NM_001406721.1); c.425-6000T>G (NM_001406722.1).
Identifiers: ClinVar variation 3072537 (VCV003072537.1), dbSNP rs2137503927, ClinGen allele CA483437917.